The following is an entry in ClinVar:

ClinVar aggregate classification (germline): Uncertain significance. Review status: criteria provided, multiple submitters, no conflicts (2 of 4 stars). 2 submissions from 2 submitters: Uncertain significance (2). Last evaluated 2024-05-15.

Allele frequency attached by ClinVar (database versions not stated): gnomAD exomes below 0.00001; TOPMed below 0.00001.

Submissions (2):

Labcorp Genetics (formerly Invitae), Labcorp
Classification: Uncertain significance. Last evaluated: 2024-05-15. Review status: criteria provided, single submitter. Criteria: Invitae Variant Classification Sherloc (09022015). Collection method: clinical testing. Allele origin: germline.
Comment: This sequence change replaces methionine, which is neutral and non-polar, with threonine, which is neutral and polar, at codon 1810 of the CACNA1E protein (p.Met1810Thr). This variant is not present in population databases (gnomAD no frequency). This variant has not been reported in the literature in individuals affected with CACNA1E-related conditions. ClinVar contains an entry for this variant (Variation ID: 870849). Advanced modeling of protein sequence and biophysical properties (such as structural, functional, and spatial information, amino acid conservation, physicochemical variation, residue mobility, and thermodynamic stability) performed at Invitae indicates that this missense variant is not expected to disrupt CACNA1E protein function with a negative predictive value of 95%. In summary, the available evidence is currently insufficient to determine the role of this variant in disease. Therefore, it has been classified as a Variant of Uncertain Significance.

CeGaT Center for Human Genetics Tuebingen
Classification: Uncertain significance. Last evaluated: 2020-01-01. Review status: criteria provided, single submitter. Criteria: CeGaT Center For Human Genetics Tuebingen Variant Classification Criteria Version 2. Collection method: clinical testing. Allele origin: germline. Affected: yes. Observed: 1 variant allele.

NM_001205293.3(CACNA1E):c.5429T>C (p.Met1810Thr)

Gene: CACNA1E (calcium voltage-gated channel subunit alpha1 E; plus strand). Cytogenetic location: 1q25.3.
Variant type: single nucleotide variant.
Coding change: c.5429T>C on transcript NM_001205293.3 (MANE Select); coding-DNA position 5429, T replaced by C.
Protein change: p.Met1810Thr; replaces methionine 1810 with threonine.
Molecular consequence: missense variant.
Genome position (GRCh38, 1-based): chr1:181,783,743, T>C. VCF-style: chr1-181783743-T-C. GRCh37 (hg19) VCF-style: chr1-181752879-T-C.
Other names: c.5429T>C, p.Met1810Thr (NM_000721.4); c.5372T>C, p.Met1791Thr (NM_001205294.2); short protein forms M1791T, M1810T.
Identifiers: ClinVar variation 870849 (VCV000870849.44), dbSNP rs1660625119, ClinGen allele CA343630519.
Genomic context (GRCh38, chr1:181,783,743, plus strand): 5'-TGGTCCTGATGAACATGCCAGTAGCTGAGGACATGACGGTCCACTTCACCTCCACACTTA[T>C]GGCTCTGATCCGGACAGCTCTGGACATTAAAATTGCCAAAGGTAAGCTTAGCTTAGGAAG-3'
Protein context (NP_001192222.1, residues 1800-1820): DMTVHFTSTL[Met1810Thr]ALIRTALDIK